The following is an entry in ClinVar:

NM_004273.5(CHST3):c.571G>A (p.Val191Met)

Gene: CHST3 (carbohydrate sulfotransferase 3; plus strand). Cytogenetic location: 10q22.1.
Variant type: single nucleotide variant.
Coding change: c.571G>A on transcript NM_004273.5 (MANE Select); coding-DNA position 571, G replaced by A.
Protein change: p.Val191Met; replaces valine 191 with methionine.
Molecular consequence: missense variant.
Genome position (GRCh38, 1-based): chr10:72,007,602, G>A. VCF-style: chr10-72007602-G-A. GRCh37 (hg19) VCF-style: chr10-73767360-G-A.
Other names: short protein forms V191M.
Identifiers: ClinVar variation 1438187 (VCV001438187.6), dbSNP rs774652828, ClinGen allele CA377144827.
Genomic context (GRCh38, chr10:72,007,602, plus strand): 5'-ACAGTGTCCTTCGAGCCGGGGGGCGCCAACGCCGCGGGCTCGGCCCTGGTGTACCGCGAC[G>A]TGCTCAAGCAGCTCTTCCTGTGCGACCTGTACGTGCTGGAGCACTTCATCACGCCGCTGC-3'
Protein context (NP_004264.2, residues 181-201): AAGSALVYRD[Val191Met]LKQLFLCDLY

ClinVar aggregate classification (germline): Uncertain significance (1 of 4 stars; one submission).

Conditions:
Spondyloepiphyseal dysplasia with congenital joint dislocations (SEDCJD). Also called: Chondrodysplasia with Congenital Joint Dislocations, CHST3-Related. Identifiers: Orphanet 263463, MedGen C1837657, MONDO:0007738, OMIM 143095.

Allele frequency attached by ClinVar (database versions not stated): gnomAD 0.00001.

Submission:

Labcorp Genetics (formerly Invitae), Labcorp
Classification: Uncertain significance for Spondyloepiphyseal dysplasia with congenital joint dislocations. Last evaluated: 2025-07-10. Review status: criteria provided, single submitter. Criteria: Invitae Variant Classification Sherloc (09022015). Collection method: clinical testing. Allele origin: germline.
Comment: This sequence change replaces valine, which is neutral and non-polar, with methionine, which is neutral and non-polar, at codon 191 of the CHST3 protein (p.Val191Met). This variant is not present in population databases (gnomAD no frequency). This variant has not been reported in the literature in individuals affected with CHST3-related conditions. ClinVar contains an entry for this variant (Variation ID: 1438187). Invitae Evidence Modeling of protein sequence and biophysical properties (such as structural, functional, and spatial information, amino acid conservation, physicochemical variation, residue mobility, and thermodynamic stability) indicates that this missense variant is not expected to disrupt CHST3 protein function with a negative predictive value of 95%. In summary, the available evidence is currently insufficient to determine the role of this variant in disease. Therefore, it has been classified as a Variant of Uncertain Significance.